The following is an entry in ClinVar:

NM_006397.3(RNASEH2A):c.866T>G (p.Leu289Arg)

Gene: RNASEH2A (ribonuclease H2 subunit A; plus strand). Cytogenetic location: 19p13.13.
Variant type: single nucleotide variant.
Coding change: c.866T>G on transcript NM_006397.3 (MANE Select); coding-DNA position 866, T replaced by G.
Protein change: p.Leu289Arg; replaces leucine 289 with arginine.
Molecular consequence: missense variant.
Genome position (GRCh38, 1-based): chr19:12,813,432, T>G. VCF-style: chr19-12813432-T-G. GRCh37 (hg19) VCF-style: chr19-12924246-T-G.
Other names: c.866T>G (NM_006397.2); short protein forms L289R.
Identifiers: ClinVar variation 1046603 (VCV001046603.9), dbSNP rs745764952, ClinGen allele CA9232065.
Genomic context (GRCh38, chr19:12,813,432, plus strand): 5'-CATCCTACTTCCTCAATGAAGGGTCCCAAGCCCGTCCCCGTTCTTCCCACCGATATTTCC[T>G]GGAACGCGGCCTGGAGTCAGCAACCAGCCTCTAGCAGCTGCCTCTACGCGCTCTACCTGC-3'
Protein context (NP_006388.2, residues 279-299): ARPRSSHRYF[Leu289Arg]ERGLESATSL

ClinVar aggregate classification (germline): Uncertain significance. Review status: criteria provided, multiple submitters, no conflicts (2 of 4 stars). 2 submissions from 2 submitters: Uncertain significance (2). Last evaluated 2025-04-28.

Conditions:
Inborn genetic diseases. Identifiers: MedGen C0950123, MeSH D030342.
Aicardi-Goutieres syndrome 4. Identifiers: Orphanet 51, MedGen C1835912, MONDO:0012472, OMIM 610333.

Allele frequency attached by ClinVar (database versions not stated): ExAC 0.00002; gnomAD exomes 0.00002 and 0.00007; TOPMed 0.00002; gnomAD 0.00003.
gnomAD v4.1: 107 of 1,613,892 alleles (0.0066%); highest among the groups gnomAD compares: Non-Finnish European, 0.0088%; no homozygotes.

Submissions (2):

Labcorp Genetics (formerly Invitae), Labcorp
Classification: Uncertain significance for Aicardi-Goutieres syndrome 4. Last evaluated: 2025-04-28. Review status: criteria provided, single submitter. Criteria: Invitae Variant Classification Sherloc (09022015). Collection method: clinical testing. Allele origin: germline.
Comment: This sequence change replaces leucine, which is neutral and non-polar, with arginine, which is basic and polar, at codon 289 of the RNASEH2A protein (p.Leu289Arg). This variant is present in population databases (rs745764952, gnomAD 0.005%). This variant has not been reported in the literature in individuals affected with RNASEH2A-related conditions. ClinVar contains an entry for this variant (Variation ID: 1046603). An algorithm developed to predict the effect of missense changes on protein structure and function (PolyPhen-2) suggests that this variant is likely to be tolerated. In summary, the available evidence is currently insufficient to determine the role of this variant in disease. Therefore, it has been classified as a Variant of Uncertain Significance.

Ambry Genetics
Classification: Uncertain significance for Inborn genetic diseases. Last evaluated: 2024-08-12. Review status: criteria provided, single submitter. Criteria: Ambry Variant Classification Scheme 2023. Collection method: clinical testing. Allele origin: germline.